The following is an entry in ClinVar:

NM_001271803.2(REEP2):c.697-3C>T

Gene: REEP2 (receptor accessory protein 2; plus strand). Cytogenetic location: 5q31.2.
Variant type: single nucleotide variant.
Coding change: c.697-3C>T on transcript NM_001271803.2 (MANE Select); 3 bases into the intron before coding-DNA position 697, C replaced by T.
Molecular consequence: intron variant.
Genome position (GRCh38, 1-based): chr5:138,445,680, C>T. VCF-style: chr5-138445680-C-T. GRCh37 (hg19) VCF-style: chr5-137781369-C-T.
Other names: c.691-3C>T (NM_016606.4).
Identifiers: ClinVar variation 1493138 (VCV001493138.6), dbSNP rs1288777628, ClinGen allele CA563497765.
Genomic context (GRCh38, chr5:138,445,680, plus strand): 5'-TGGGGAAACAGGCAGGGGGTGGCGGCTCCAGGCTGAGCCCCATCTTCCTCCTTCTTTCCA[C>T]AGCCACTGGCTTCCAAGACACTGAAGACCCGGCCCAAGAAGAAGACCTCTGGCGGGGGCG-3'

ClinVar aggregate classification (germline): Uncertain significance (1 of 4 stars; one submission).

Conditions:
Hereditary spastic paraplegia 72 (SPG72A). Also called: Spastic paraplegia 72, autosomal recessive. Identifiers: Orphanet 401849, MedGen C5882669, MONDO:0014282, OMIM 615625.

Allele frequency attached by ClinVar (database versions not stated): gnomAD exomes below 0.00001 and 0.00001.
gnomAD v4.1: 5 of 1,614,160 alleles (0.00031%); highest among the groups gnomAD compares: Admixed American, 0.0033%; no homozygotes.

Submission:

Labcorp Genetics (formerly Invitae), Labcorp
Classification: Uncertain significance for Hereditary spastic paraplegia 72. Last evaluated: 2021-08-20. Review status: criteria provided, single submitter. Criteria: Invitae Variant Classification Sherloc (09022015). Collection method: clinical testing. Allele origin: germline.
Comment: This sequence change falls in intron 7 of the REEP2 gene. It does not directly change the encoded amino acid sequence of the REEP2 protein. It affects a nucleotide within the consensus splice site of the intron. This variant is not present in population databases (ExAC no frequency). This variant has not been reported in the literature in individuals with REEP2-related conditions. Nucleotide substitutions within the consensus splice site are a relatively common cause of aberrant splicing (PMID: 17576681, 9536098). Algorithms developed to predict the effect of sequence changes on RNA splicing suggest that this variant is not likely to affect RNA splicing, but this prediction has not been confirmed by published transcriptional studies. In summary, the available evidence is currently insufficient to determine the role of this variant in disease. Therefore, it has been classified as a Variant of Uncertain Significance.

Literature cited by the submitters: PubMed 17576681; PubMed 9536098.